The following is an entry in ClinVar:

ClinVar aggregate classification (germline): Likely benign. Review status: criteria provided, single submitter (1 of 4 stars). 2 submissions from 2 submitters: Likely benign (1). 1 of the submissions does not count toward it. Last evaluated 2023-01-03.

Conditions:
PCNT-related disorder. Also called: PCNT-related condition.

Allele frequency attached by ClinVar (database versions not stated): ExAC 0.00001; TOPMed 0.00001; gnomAD exomes 0.00005.
gnomAD v4.1: 65 of 1,614,208 alleles (0.004%); highest among the groups gnomAD compares: Non-Finnish European, 0.0053%; no homozygotes.

Submissions (2):

Labcorp Genetics (formerly Invitae), Labcorp
Classification: Likely benign. Last evaluated: 2023-01-03. Review status: criteria provided, single submitter. Criteria: Invitae Variant Classification Sherloc (09022015). Collection method: clinical testing. Allele origin: germline.

PreventionGenetics, part of Exact Sciences
Classification: Likely benign for PCNT-related condition. Last evaluated: 2023-11-01. Review status: no assertion criteria provided. Collection method: clinical testing. Allele origin: germline. Not counted in ClinVar's aggregate classification.
Comment: This variant is classified as likely benign based on ACMG/AMP sequence variant interpretation guidelines (Richards et al. 2015 PMID: 25741868, with internal and published modifications).

NM_006031.6(PCNT):c.6549A>G (p.Ser2183=)

Gene: PCNT (pericentrin; plus strand). Cytogenetic location: 21q22.3.
Variant type: single nucleotide variant.
Coding change: c.6549A>G on transcript NM_006031.6 (MANE Select); coding-DNA position 6549, A replaced by G.
Protein change: p.Ser2183=; no amino-acid change (serine 2183 retained).
Molecular consequence: synonymous variant.
Genome position (GRCh38, 1-based): chr21:46,416,467, A>G. VCF-style: chr21-46416467-A-G. GRCh37 (hg19) VCF-style: chr21-47836381-A-G.
Other names: c.6195A>G, p.Ser2065= (NM_001315529.2); c.6549A>G (NM_006031.5).
Identifiers: ClinVar variation 2901001 (VCV002901001.4), dbSNP rs764888751, ClinGen allele CA10080353.